The following is an entry in ClinVar:

NM_001378454.1(ALMS1):c.4955A>G (p.Asp1652Gly)

Gene: ALMS1 (ALMS1 centrosome and basal body associated protein; plus strand). Cytogenetic location: 2p13.1.
Variant type: single nucleotide variant.
Coding change: c.4955A>G on transcript NM_001378454.1 (MANE Select); coding-DNA position 4955, A replaced by G.
Protein change: p.Asp1652Gly; replaces aspartic acid 1652 with glycine.
Molecular consequence: missense variant.
Genome position (GRCh38, 1-based): chr2:73,451,482, A>G. VCF-style: chr2-73451482-A-G. GRCh37 (hg19) VCF-style: chr2-73678609-A-G.
Other names: c.4958A>G, p.Asp1653Gly (NM_015120.4); short protein forms D1653G, D1652G.
Identifiers: ClinVar variation 4994271 (VCV004994271.1).
Genomic context (GRCh38, chr2:73,451,482, plus strand): 5'-TGCTAGACAGTCCTCTAAATAAAGAGGTTGTGAAAGTTTCAGCTGCTCCTGGACCAGCTG[A>G]CCAGAAGACTGAGACATTACCAGTACATTCTACTAGCTACTCAAATAGGGGGAAGCCTGT-3'
Protein context (NP_001365383.1, residues 1642-1662): VKVSAAPGPA[Asp1652Gly]QKTETLPVHS

ClinVar aggregate classification (germline): Uncertain significance (1 of 4 stars; one submission).

Conditions:
ALMS1-related disorder. Also called: ALMS1-related condition.

gnomAD v4.1: 1 of 1,614,094 alleles (0.000062%); highest among the groups gnomAD compares: Non-Finnish European, 0.000085%; no homozygotes.

Submission:

PreventionGenetics, part of Exact Sciences
Classification: Uncertain significance for ALMS1-related condition. Last evaluated: 2026-08-24. Review status: criteria provided, single submitter. Criteria: ACMG Guidelines, 2015. Collection method: clinical testing. Allele origin: germline.
Comment: The ALMS1 c.4958A>G variant is predicted to result in the amino acid substitution p.Lys1653Arg. To our knowledge, this variant has not been reported in the literature or in a large population database (gnomAD), indicating this variant is rare. At this time, the clinical significance of this variant is uncertain due to the absence of conclusive functional and genetic evidence.